The following is an entry in ClinVar:

ClinVar aggregate classification (germline): Likely pathogenic (1 of 4 stars; one submission).

Conditions:
Dilated cardiomyopathy 1G (CMD1G). Identifiers: Orphanet 154, MedGen C1858763, MONDO:0011400, OMIM 604145.
Autosomal recessive limb-girdle muscular dystrophy type 2J (LGMDR10). Also called: Limb-girdle muscular dystrophy, type 2J; MUSCULAR DYSTROPHY, LIMB-GIRDLE, AUTOSOMAL RECESSIVE 10. Identifiers: Orphanet 140922, MedGen C1837342, MONDO:0012127, OMIM 608807.

Submission:

Labcorp Genetics (formerly Invitae), Labcorp
Classification: Likely pathogenic for Dilated cardiomyopathy 1G; Autosomal recessive limb-girdle muscular dystrophy type 2J. Last evaluated: 2021-05-31. Review status: criteria provided, single submitter. Criteria: Invitae Variant Classification Sherloc (09022015). Collection method: clinical testing. Allele origin: germline.
Comment: In summary, the currently available evidence indicates that the variant is pathogenic, but additional data are needed to prove that conclusively. Therefore, this variant has been classified as Likely Pathogenic. This variant is located in the A band of TTN (PMID: 25589632). Truncating variants in this region are significantly overrepresented in patients affected with dilated cardiomyopathy (PMID: 25589632). Truncating variants in this region have also been reported in individuals affected with autosomal recessive centronuclear myopathy (PMID: 23975875). Algorithms developed to predict the effect of sequence changes on RNA splicing suggest that this variant may create or strengthen a splice site, but this prediction has not been confirmed by published transcriptional studies. This variant has not been reported in the literature in individuals with TTN-related conditions. This variant is not present in population databases (ExAC no frequency). This sequence change creates a premature translational stop signal (p.Tyr26114*) in the TTN gene. While this is not anticipated to result in nonsense mediated decay, it is expected to create a truncated TTN protein.

Literature cited by the submitters: PubMed 25589632; PubMed 23975875.

NM_001267550.2(TTN):c.78342T>G (p.Tyr26114Ter)

Genes: TTN-AS1 (TTN antisense RNA 1; plus strand), TTN (titin; minus strand). Cytogenetic location: 2q31.2.
Variant type: single nucleotide variant.
Coding change: c.78342T>G on transcript NM_001267550.2 (MANE Select); coding-DNA position 78342, T replaced by G.
Protein change: p.Tyr26114Ter; replaces tyrosine 26114 with a stop codon.
Molecular consequence: nonsense.
Genome position (GRCh38, 1-based): chr2:178,567,790, A>C on the plus strand (T>G on the coding strand, the complement: TTN is on the minus strand). VCF-style: chr2-178567790-A-C. GRCh37 (hg19) VCF-style: chr2-179432517-A-C.
Other names: c.73419T>G, p.Tyr24473Ter (NM_001256850.1); c.51147T>G, p.Tyr17049Ter (NM_003319.4); c.70638T>G, p.Tyr23546Ter (NM_133378.4); c.51522T>G, p.Tyr17174Ter (NM_133432.3); c.51723T>G, p.Tyr17241Ter (NM_133437.4); short protein forms Y17049*, Y17241*, Y23546*, Y24473*, Y17174*, Y26114*.
Identifiers: ClinVar variation 1467273 (VCV001467273.8), dbSNP rs2154166540, ClinGen allele CA349603223.